The following is an entry in ClinVar:

ClinVar aggregate classification (germline): Uncertain significance. Review status: criteria provided, multiple submitters, no conflicts (2 of 4 stars). 4 submissions from 4 submitters: Uncertain significance (3). 1 of the submissions does not count toward it. Last evaluated 2024-10-24.

Allele frequency attached by ClinVar (database versions not stated): ESP Exome Variant Server 0.00008; gnomAD 0.00009; TOPMed 0.00011; gnomAD exomes 0.00013; ExAC 0.00021.
gnomAD v4.1: 174 of 1,609,850 alleles (0.011%); highest among the groups gnomAD compares: Middle Eastern, 0.082%; no homozygotes.

Submissions (4):

Blueprint Genetics
Classification: Uncertain significance. Last evaluated: 2024-10-24. Review status: criteria provided, single submitter. Criteria: ACMG Guidelines, 2015. Collection method: clinical testing. Allele origin: germline.

Labcorp Genetics (formerly Invitae), Labcorp
Classification: Uncertain significance. Last evaluated: 2022-08-05. Review status: criteria provided, single submitter. Criteria: Invitae Variant Classification Sherloc (09022015). Collection method: clinical testing. Allele origin: germline.
Comment: This sequence change affects an acceptor splice site in intron 7 of the UCP2 gene. It is expected to disrupt RNA splicing. Variants that disrupt the donor or acceptor splice site typically lead to a loss of protein function (PMID: 16199547), however the current clinical and genetic evidence is not sufficient to establish whether loss-of-function variants in UCP2 cause disease. This variant is present in population databases (rs150573868, gnomAD 0.03%). Disruption of this splice site has been observed in individual(s) with congenital hyperinsulinism (PMID: 27967291). ClinVar contains an entry for this variant (Variation ID: 212542). Algorithms developed to predict the effect of sequence changes on RNA splicing suggest that this variant may disrupt the consensus splice site. In summary, the available evidence is currently insufficient to determine the role of this variant in disease. Therefore, it has been classified as a Variant of Uncertain Significance.

Genetic Services Laboratory, University of Chicago
Classification: Uncertain significance. Last evaluated: 2014-12-15. Review status: criteria provided, single submitter. Criteria: ACMG Guidelines, 2015. Collection method: clinical testing. Allele origin: germline.

Department of Pathology and Laboratory Medicine, Sinai Health System
Classification: Uncertain significance. Review status: no assertion criteria provided. Collection method: clinical testing. Allele origin: unknown. Affected: yes. Study: The Canadian Open Genetics Repository (COGR). Not counted in ClinVar's aggregate classification.
Comment: The UCP2 c.816-2A>G variant was not identified in the literature nor was it identified in Cosmic or LOVD 3.0. The variant was identified in dbSNP (ID: rs150573868), ClinVar (classified as a VUS by Genetic Services Laboratory, University of Chicago). The variant was identified in control databases in 35 of 274688 chromosomes at a frequency of 0.000127 (Genome Aggregation Database Feb 27, 2017). The variant was observed in the following populations: European (non-Finnish) in 34 of 124762 chromosomes (freq: 0.000273), Other in 1 of 7090 chromosomes (freq: 0.000141), while the variant was not observed in the African, Latino, Ashkenazi Jewish, East Asian, European (Finnish), and South Asian populations. The c.816-2A>G variant is predicted to cause abnormal splicing because the nucleotide substitution occurs in the invariant region of the splice consensus sequence. In summary, based on the above information the clinical significance of this variant cannot be determined with certainty at this time. This variant is classified as a variant of uncertain significance.

Literature cited by the submitters: PubMed 16199547 (cited by Labcorp Genetics (formerly Invitae), Labcorp); PubMed 27967291 (cited by Labcorp Genetics (formerly Invitae), Labcorp).

NM_003355.3(UCP2):c.816-2A>G

Gene: UCP2 (uncoupling protein 2; minus strand). Cytogenetic location: 11q13.4.
Variant type: single nucleotide variant.
Coding change: c.816-2A>G on transcript NM_003355.3 (MANE Select); the canonical splice acceptor site of the intron before coding-DNA position 816, A replaced by G.
Molecular consequence: splice acceptor variant.
Genome position (GRCh38, 1-based): chr11:73,975,123, T>C on the plus strand (A>G on the coding strand, the complement: UCP2 is on the minus strand). VCF-style: chr11-73975123-T-C. GRCh37 (hg19) VCF-style: chr11-73686168-T-C.
Other names: c.816-2A>G (NM_001381944.1, NM_001381948.1, NM_001381945.1 and 2 more transcripts); c.621-2A>G (NM_001381950.1); c.714-2A>G (NM_001381949.1).
Identifiers: ClinVar variation 212542 (VCV000212542.9), dbSNP rs150573868, ClinGen allele CA207412.